The following is an entry in ClinVar:

NC_000002.11:g.(?_73635730)_(73650122_?)dup

Gene: ALMS1 (ALMS1 centrosome and basal body associated protein; plus strand). Cytogenetic location: 2p13.1.
Variant type: Duplication.
Identifiers: ClinVar variation 3247158 (VCV003247158.1).

ClinVar aggregate classification (germline): Likely pathogenic (1 of 4 stars; one submission).

Conditions:
Alstrom syndrome (ALMS). Identifiers: Orphanet 64, MedGen C0268425, MONDO:0008763, OMIM 203800.

Submission:

Labcorp Genetics (formerly Invitae), Labcorp
Classification: Likely pathogenic for Alstrom syndrome. Last evaluated: 2023-01-06. Review status: criteria provided, single submitter. Criteria: Invitae Variant Classification Sherloc (09022015). Collection method: clinical testing. Allele origin: unknown.
Comment: In summary, the currently available evidence indicates that the variant is pathogenic, but additional data are needed to prove that conclusively. Therefore, this variant has been classified as Likely Pathogenic. This variant has not been reported in the literature in individuals affected with ALMS1-related conditions. This variant results in a copy number gain of the genomic region encompassing exon(s) 2-4 of the ALMS1 gene. While the exact position of this variant cannot be determined from the data, sub-genic copy number gains are generally in tandem (PMID: 25640679). This variant is predicted to be out-of-frame, and may result in an absent or disrupted protein product. Loss-of-function variants in ALMS1 are known to be pathogenic (PMID: 17594715).

Literature cited by the submitters: PubMed 25640679; PubMed 17594715.